The following is an entry in ClinVar:

NM_198525.3(KIF7):c.1904G>A (p.Arg635Gln)

Gene: KIF7 (kinesin family member 7; minus strand). Cytogenetic location: 15q26.1.
Variant type: single nucleotide variant.
Coding change: c.1904G>A on transcript NM_198525.3 (MANE Select); coding-DNA position 1904, G replaced by A.
Protein change: p.Arg635Gln; replaces arginine 635 with glutamine.
Molecular consequence: missense variant.
Genome position (GRCh38, 1-based): chr15:89,645,911, C>T on the plus strand (G>A on the coding strand, the complement: KIF7 is on the minus strand). VCF-style: chr15-89645911-C-T. GRCh37 (hg19) VCF-style: chr15-90189142-C-T.
Other names: c.1904G>A (NM_198525.2); short protein forms R635Q.
Identifiers: ClinVar variation 2165143 (VCV002165143.3), dbSNP rs747191989, ClinGen allele CA274581360.

ClinVar aggregate classification (germline): Uncertain significance. Review status: criteria provided, multiple submitters, no conflicts (2 of 4 stars). 3 submissions from 3 submitters: Uncertain significance (3). Last evaluated 2022-11-10.

Conditions:
KIF7-related disorder. Also called: KIF7-related condition.
Acrocallosal syndrome (ACLS). Also called: Schinzel syndrome 1; Absence of corpus callosum with unusual facial appearance, mental deficiency, duplication of the halluces and polydactyly; HALLUX DUPLICATION, POSTAXIAL POLYDACTYLY, AND ABSENCE OF CORPUS CALLOSUM. Identifiers: Orphanet 36, MedGen C0796147, MONDO:0008708, OMIM 200990.

Allele frequency attached by ClinVar (database versions not stated): gnomAD exomes 0.00003; gnomAD 0.00005; TOPMed 0.00005.
gnomAD v4.1: 53 of 1,613,452 alleles (0.0033%); highest among the groups gnomAD compares: African/African-American, 0.012%; no homozygotes.

Submissions (3):

PreventionGenetics, part of Exact Sciences
Classification: Uncertain significance for KIF7-related condition. Last evaluated: 2022-11-10. Review status: criteria provided, single submitter. Criteria: ACMG Guidelines, 2015. Collection method: clinical testing. Allele origin: germline.
Comment: The KIF7 c.1904G>A variant is predicted to result in the amino acid substitution p.Arg635Gln. To our knowledge, this variant has not been reported in the literature. This variant is reported in 0.018% of alleles in individuals of African descent in gnomAD. At this time, the clinical significance of this variant is uncertain due to the absence of conclusive functional and genetic evidence.

Blueprint Genetics
Classification: Uncertain significance. Last evaluated: 2022-06-06. Review status: criteria provided, single submitter. Criteria: ACMG Guidelines, 2015. Collection method: clinical testing. Allele origin: germline.

Labcorp Genetics (formerly Invitae), Labcorp
Classification: Uncertain significance for Acrocallosal syndrome. Last evaluated: 2022-04-15. Review status: criteria provided, single submitter. Criteria: Invitae Variant Classification Sherloc (09022015). Collection method: clinical testing. Allele origin: germline.
Comment: This sequence change replaces arginine, which is basic and polar, with glutamine, which is neutral and polar, at codon 635 of the KIF7 protein (p.Arg635Gln). This variant is present in population databases (rs747191989, gnomAD 0.02%). This variant has not been reported in the literature in individuals affected with KIF7-related conditions. Algorithms developed to predict the effect of missense changes on protein structure and function output the following: SIFT: "Tolerated"; PolyPhen-2: "Benign"; Align-GVGD: "Class C0". The glutamine amino acid residue is found in multiple mammalian species, which suggests that this missense change does not adversely affect protein function. In summary, the available evidence is currently insufficient to determine the role of this variant in disease. Therefore, it has been classified as a Variant of Uncertain Significance.